The following is an entry in ClinVar:

ClinVar aggregate classification (germline): Benign. Review status: criteria provided, multiple submitters, no conflicts (2 of 4 stars). 6 submissions from 6 submitters: Benign (6). Last evaluated 2026-02-04.

Conditions:
Hereditary pancreatitis (PCTT). Also called: Hereditary chronic pancreatitis; PRSS1-Related Hereditary Pancreatitis. Identifiers: Orphanet 676, MedGen C0238339, MONDO:0008185, OMIM 167800.

Allele frequency attached by ClinVar (database versions not stated): gnomAD exomes 0.00074 and 0.00185; ExAC 0.00234; 1000 Genomes Project 0.00759; gnomAD 0.00772 and 0.00820; ESP Exome Variant Server 0.00792; 1000 Genomes Project 30x 0.00812; TOPMed 0.00893.

Submissions (6):

Labcorp Genetics (formerly Invitae), Labcorp
Classification: Benign for Hereditary pancreatitis. Last evaluated: 2026-02-04. Review status: criteria provided, single submitter. Criteria: Invitae Variant Classification Sherloc (09022015). Collection method: clinical testing. Allele origin: germline.

ARUP Laboratories, Molecular Genetics and Genomics, ARUP Laboratories
Classification: Benign for Hereditary pancreatitis. Last evaluated: 2025-07-07. Review status: criteria provided, single submitter. Criteria: ARUP Molecular Germline Variant Investigation Process 2024. Collection method: clinical testing. Allele origin: germline.

Mayo Clinic Laboratories, Mayo Clinic
Classification: Benign. Last evaluated: 2021-10-25. Review status: criteria provided, single submitter. Criteria: ACMG Guidelines, 2015. Collection method: clinical testing. Allele origin: germline. Observed: 20 variant alleles.
Comment: BS1, BS2, BP4, BP7

GeneDx
Classification: Benign. Last evaluated: 2020-11-10. Review status: criteria provided, single submitter. Criteria: GeneDx Variant Classification Process June 2021. Collection method: clinical testing. Allele origin: germline. Affected: yes.

Illumina Laboratory Services, Illumina
Classification: Benign for Hereditary pancreatitis. Last evaluated: 2018-01-13. Review status: criteria provided, single submitter. Criteria: ICSL Variant Classification Criteria 13 December 2019. Collection method: clinical testing. Allele origin: germline.
Comment: This variant was observed in the ICSL laboratory as part of a predisposition screen in an ostensibly healthy population. It had not been previously curated by ICSL or reported in the Human Gene Mutation Database (HGMD: prior to June 1st, 2018), and was therefore a candidate for classification through an automated scoring system. Utilizing variant allele frequency, disease prevalence and penetrance estimates, and inheritance mode, an automated score was calculated to assess if this variant is too frequent to cause the disease. Based on the score and internal cut-off values, a variant classified as benign is not then subjected to further curation. The score for this variant resulted in a classification of benign for this disease.

Ambry Genetics
Classification: Benign for Hereditary pancreatitis. Last evaluated: 2014-09-11. Review status: criteria provided, single submitter. Criteria: Ambry Variant Classification Scheme 2023. Collection method: clinical testing. Allele origin: germline.

NM_007272.3(CTRC):c.690G>A (p.Glu230=)

Gene: CTRC (chymotrypsin C; plus strand). Cytogenetic location: 1p36.21.
Variant type: single nucleotide variant.
Coding change: c.690G>A on transcript NM_007272.3 (MANE Select); coding-DNA position 690, G replaced by A.
Protein change: p.Glu230=; no amino-acid change (glutamic acid 230 retained).
Molecular consequence: synonymous variant.
Genome position (GRCh38, 1-based): chr1:15,445,647, G>A. VCF-style: chr1-15445647-G-A. GRCh37 (hg19) VCF-style: chr1-15772142-G-A.
Other names: p.Glu230=.
Identifiers: ClinVar variation 292913 (VCV000292913.31), dbSNP rs75971387, ClinGen allele CA613444.